The following is an entry in ClinVar:

NM_001876.4(CPT1A):c.2004T>C (p.Ala668=)

Gene: CPT1A (carnitine palmitoyltransferase 1A; minus strand). Cytogenetic location: 11q13.3.
Variant type: single nucleotide variant.
Coding change: c.2004T>C on transcript NM_001876.4 (MANE Select); coding-DNA position 2004, T replaced by C.
Protein change: p.Ala668=; no amino-acid change (alanine 668 retained).
Molecular consequence: synonymous variant.
Genome position (GRCh38, 1-based): chr11:68,761,559, A>G on the plus strand (T>C on the coding strand, the complement: CPT1A is on the minus strand). VCF-style: chr11-68761559-A-G. GRCh37 (hg19) VCF-style: chr11-68529027-A-G.
Other names: p.A668A:GCT>GCC; c.2004T>C, p.Ala668= (NM_001031847.3).
Identifiers: ClinVar variation 203654 (VCV000203654.17), dbSNP rs2228503, ClinGen allele CA312410.

ClinVar aggregate classification (germline): Benign. Review status: criteria provided, multiple submitters, no conflicts (2 of 4 stars). 5 submissions from 5 submitters: Benign (4). 1 of the submissions does not count toward it. Last evaluated 2026-02-02.

Conditions:
Carnitine palmitoyl transferase 1A deficiency. Also called: CPT deficiency, hepatic, type IA; Carnitine palmitoyltransferase type I deficiency; CPT I DEFICIENCY; CPT DEFICIENCY, HEPATIC, TYPE I; Carnitine palmitoyltransferase 1A deficiency. Identifiers: Orphanet 156, MedGen C1829703, MONDO:0009705, OMIM 255120.

Allele frequency attached by ClinVar (database versions not stated): gnomAD exomes 0.00084 and 0.00216; ExAC 0.00269; gnomAD 0.00824 and 0.00879; ESP Exome Variant Server 0.00901; TOPMed 0.00962; 1000 Genomes Project 0.01258; 1000 Genomes Project 30x 0.01265.
gnomAD v4.1: 2,542 of 1,614,132 alleles (0.16%); highest among the groups gnomAD compares: African/African-American, 2.9%; 40 homozygotes.

Submissions (5):

Labcorp Genetics (formerly Invitae), Labcorp
Classification: Benign for Carnitine palmitoyl transferase 1A deficiency. Last evaluated: 2026-02-02. Review status: criteria provided, single submitter. Criteria: Invitae Variant Classification Sherloc (09022015). Collection method: clinical testing. Allele origin: germline.

ARUP Laboratories, Molecular Genetics and Genomics, ARUP Laboratories
Classification: Benign for Carnitine palmitoyl transferase 1A deficiency. Last evaluated: 2025-04-17. Review status: criteria provided, single submitter. Criteria: ARUP Molecular Germline Variant Investigation Process 2024. Collection method: clinical testing. Allele origin: germline.

GeneDx
Classification: Benign. Last evaluated: 2014-10-08. Review status: criteria provided, single submitter. Criteria: GeneDx Variant Classification (06012015). Collection method: clinical testing. Allele origin: germline. Affected: yes.
Comment: This variant is considered likely benign or benign based on one or more of the following criteria: it is a conservative change, it occurs at a poorly conserved position in the protein, it is predicted to be benign by multiple in silico algorithms, and/or has population frequency not consistent with disease.

Breakthrough Genomics
Classification: Benign. Review status: criteria provided, single submitter. Criteria: ACMG Guidelines, 2015. Collection method: not provided. Allele origin: germline. Inheritance: Autosomal recessive inheritance. Affected: yes.

Natera, Inc.
Classification: Benign for Carnitine palmitoyltransferase type I deficiency. Last evaluated: 2020-09-16. Review status: no assertion criteria provided. Collection method: clinical testing. Allele origin: germline. Not counted in ClinVar's aggregate classification.